The following is an entry in ClinVar:

ClinVar aggregate classification (germline): Conflicting classifications of pathogenicity. Review status: criteria provided, conflicting classifications (1 of 4 stars). 2 submissions from 2 submitters: Uncertain significance (1); Likely benign (1). Last evaluated 2025-08-20.

Conditions:
Inborn genetic diseases. Identifiers: MedGen C0950123, MeSH D030342.
Hereditary spastic paraplegia 64. Also called: Spastic paraplegia 64, autosomal recessive; ENTPD1-Related Neurodevelopmental Disorder. Identifiers: Orphanet 401810, MedGen C3810289, MONDO:0014303, OMIM 615683.

Allele frequency attached by ClinVar (database versions not stated): ExAC 0.00002; gnomAD exomes 0.00002; TOPMed 0.00002; gnomAD 0.00003.
gnomAD v4.1: 39 of 1,614,050 alleles (0.0024%); highest among the groups gnomAD compares: Non-Finnish European, 0.003%; no homozygotes.

Submissions (2):

Ambry Genetics
Classification: Likely benign for Inborn genetic diseases. Last evaluated: 2025-08-20. Review status: criteria provided, single submitter. Criteria: Ambry Variant Classification Scheme 2023. Collection method: clinical testing. Allele origin: germline.

Labcorp Genetics (formerly Invitae), Labcorp
Classification: Uncertain significance for Hereditary spastic paraplegia 64. Last evaluated: 2022-07-04. Review status: criteria provided, single submitter. Criteria: Invitae Variant Classification Sherloc (09022015). Collection method: clinical testing. Allele origin: germline.
Comment: This variant has not been reported in the literature in individuals affected with ENTPD1-related conditions. In summary, the available evidence is currently insufficient to determine the role of this variant in disease. Therefore, it has been classified as a Variant of Uncertain Significance. Algorithms developed to predict the effect of missense changes on protein structure and function output the following: SIFT: "Tolerated"; PolyPhen-2: "Benign"; Align-GVGD: "Class C0". The methionine amino acid residue is found in multiple mammalian species, which suggests that this missense change does not adversely affect protein function. This variant is present in population databases (rs766776589, gnomAD 0.002%). This sequence change replaces valine, which is neutral and non-polar, with methionine, which is neutral and non-polar, at codon 291 of the ENTPD1 protein (p.Val291Met).

NM_001776.6(ENTPD1):c.871G>A (p.Val291Met)

Genes: ENTPD1 (ectonucleoside triphosphate diphosphohydrolase 1; plus strand), ENTPD1-AS1 (ENTPD1 antisense RNA 1; minus strand). Cytogenetic location: 10q24.1.
Variant type: single nucleotide variant.
Coding change: c.871G>A on transcript NM_001776.6 (MANE Select); coding-DNA position 871, G replaced by A.
Protein change: p.Val291Met; replaces valine 291 with methionine.
Molecular consequence: missense variant. On other transcripts: intron variant (1).
Genome position (GRCh38, 1-based): chr10:95,847,503, G>A. VCF-style: chr10-95847503-G-A. GRCh37 (hg19) VCF-style: chr10-97607260-G-A.
Other names: c.892G>A, p.Val298Met (NM_001098175.2); c.907G>A, p.Val303Met (NM_001164178.1, NM_001320916.1); c.547G>A, p.Val183Met (NM_001164181.1, NM_001312654.1); c.457G>A, p.Val153Met (NM_001164182.2, NM_001164183.2); c.814-66G>A (NM_001164179.2); short protein forms V291M, V298M, V153M, V303M, V183M.
Identifiers: ClinVar variation 2085110 (VCV002085110.3), dbSNP rs766776589, ClinGen allele CA5621493.